The following is an entry in ClinVar:

NM_030777.4(SLC2A10):c.887G>A (p.Arg296His)

Gene: SLC2A10 (solute carrier family 2 member 10; plus strand). Cytogenetic location: 20q13.12.
Variant type: single nucleotide variant.
Coding change: c.887G>A on transcript NM_030777.4 (MANE Select); coding-DNA position 887, G replaced by A.
Protein change: p.Arg296His; replaces arginine 296 with histidine.
Molecular consequence: missense variant.
Genome position (GRCh38, 1-based): chr20:46,725,923, G>A. VCF-style: chr20-46725923-G-A. GRCh37 (hg19) VCF-style: chr20-45354562-G-A.
Other names: short protein forms R296H.
Identifiers: ClinVar variation 573689 (VCV000573689.26), dbSNP rs558025597, ClinGen allele CA9892064.

ClinVar aggregate classification (germline): Uncertain significance. Review status: criteria provided, multiple submitters, no conflicts (2 of 4 stars). 3 submissions from 3 submitters: Uncertain significance (3). Last evaluated 2026-04-22.

Conditions:
Arterial tortuosity syndrome (ATORS). Identifiers: Orphanet 3342, MedGen C1859726, MONDO:0008818, OMIM 208050.

Allele frequency attached by ClinVar (database versions not stated): gnomAD 0.00002 and 0.00003; TOPMed 0.00004; 1000 Genomes Project 30x 0.00016; 1000 Genomes Project 0.00020.
gnomAD v4.1: 19 of 1,613,944 alleles (0.0012%); highest among the groups gnomAD compares: African/African-American, 0.0093%; no homozygotes.

Submissions (3):

GeneDx
Classification: Uncertain significance. Last evaluated: 2026-04-22. Review status: criteria provided, single submitter. Criteria: GeneDx Variant Classification Process June 2021. Collection method: clinical testing. Allele origin: germline.
Comment: In silico analysis supports that this missense variant has a deleterious effect on protein structure/function; Has not been previously published as pathogenic or benign to our knowledge

Labcorp Genetics (formerly Invitae), Labcorp
Classification: Uncertain significance for Arterial tortuosity syndrome. Last evaluated: 2025-01-28. Review status: criteria provided, single submitter. Criteria: Invitae Variant Classification Sherloc (09022015). Collection method: clinical testing. Allele origin: germline.
Comment: This sequence change replaces arginine, which is basic and polar, with histidine, which is basic and polar, at codon 296 of the SLC2A10 protein (p.Arg296His). This variant is present in population databases (rs558025597, gnomAD 0.02%). This variant has not been reported in the literature in individuals affected with SLC2A10-related conditions. ClinVar contains an entry for this variant (Variation ID: 573689). Invitae Evidence Modeling of protein sequence and biophysical properties (such as structural, functional, and spatial information, amino acid conservation, physicochemical variation, residue mobility, and thermodynamic stability) has been performed for this missense variant. However, the output from this modeling did not meet the statistical confidence thresholds required to predict the impact of this variant on SLC2A10 protein function. In summary, the available evidence is currently insufficient to determine the role of this variant in disease. Therefore, it has been classified as a Variant of Uncertain Significance.

CeGaT Center for Human Genetics Tuebingen
Classification: Uncertain significance. Last evaluated: 2024-06-01. Review status: criteria provided, single submitter. Criteria: CeGaT Center For Human Genetics Tuebingen Variant Classification Criteria Version 2. Collection method: clinical testing. Allele origin: germline. Affected: yes. Observed: 1 variant allele.
Comment: SLC2A10: PM2